The following is an entry in ClinVar:

ClinVar aggregate classification (germline): Uncertain significance. Review status: criteria provided, multiple submitters, no conflicts (2 of 4 stars). 6 submissions from 6 submitters: Uncertain significance (6). Last evaluated 2026-05-28.

Conditions:
Autosomal dominant nonsyndromic hearing loss 65. Also called: Deafness, autosomal dominant 65; TBC1D24-Related Autosomal Dominant Nonsyndromic Hearing Loss (DFNA). Identifiers: Orphanet 90635, MedGen C3892048, MONDO:0014470, OMIM 616044.
Developmental and epileptic encephalopathy, 1 (DEE1). Also called: Epileptic encephalopathy, early infantile, 1; X-linked infantile spasms; West's syndrome; Tonic spasms with clustering, arrest of psychomotor development and hypsarrhythmia on EEG; X-Linked Infantile Spasm Syndrome; INFANTILE SPASM SYNDROME, X-LINKED 1. Identifiers: MedGen C3463992, MONDO:0010632, OMIM 308350. Disease mechanism: loss of function.
TBC1D24-related disorder. Also called: TBC1D24-related condition; TBC1D24-related disorders. Identifiers: MedGen CN381194.
Developmental and epileptic encephalopathy, 16 (DEE16). Also called: Early infantile epileptic encephalopathy 16; TBC1D24-Related Developmental and Epileptic Encephalopathy (DEE). Identifiers: Orphanet 293181, Orphanet 352596, MedGen C3809173, MONDO:0014133, OMIM 615338.
Familial infantile myoclonic epilepsy (FIME). Also called: Epilepsy, Myoclonic, Infantile; TBC1D24-Related Familial Infantile Myoclonic Epilepsy (FIME). Identifiers: Orphanet 352582, MedGen C0917800, MONDO:0011506, OMIM 605021.
Inborn genetic diseases. Identifiers: MedGen C0950123, MeSH D030342.

Allele frequency attached by ClinVar (database versions not stated): gnomAD 0.00001; TOPMed 0.00002; gnomAD exomes 0.00003; ExAC 0.00006.
gnomAD v4.1: 18 of 1,613,896 alleles (0.0011%); highest among the groups gnomAD compares: East Asian, 0.0022%; no homozygotes.

Submissions (6):

PreventionGenetics, part of Exact Sciences
Classification: Uncertain significance for TBC1D24-related condition. Last evaluated: 2026-05-28. Review status: criteria provided, single submitter. Criteria: ACMG Guidelines, 2015. Collection method: clinical testing. Allele origin: germline.
Comment: The TBC1D24 c.1253T>C variant is predicted to result in the amino acid substitution p.Phe418Ser. To our knowledge, this variant has not been reported in the literature. This variant is reported in 0.0071% of alleles in individuals of European (Non-Finnish) descent in gnomAD. At this time, the clinical significance of this variant is uncertain due to the absence of conclusive functional and genetic evidence.

Women's Health and Genetics/Laboratory Corporation of America, LabCorp
Classification: Uncertain significance. Last evaluated: 2026-05-05. Review status: criteria provided, single submitter. Criteria: LabCorp Variant Classification Summary - May 2015. Collection method: clinical testing. Allele origin: germline.
Comment: Variant summary: TBC1D24 c.1253T>C (p.Phe418Ser) results in a non-conservative amino acid change in the encoded protein sequence. Algorithms developed to predict the effect of missense changes on protein structure and function are either unavailable or do not agree on the potential impact of this missense change. The variant allele was found at a frequency of 3.2e-05 in 249574 control chromosomes. The available data on variant occurrences in the general population are insufficient to allow any conclusion about variant significance. To our knowledge, no occurrence of c.1253T>C in individuals affected with TBC1D24-related conditions and no experimental evidence demonstrating its impact on protein function have been reported. ClinVar contains an entry for this variant (Variation ID: 207512). Based on the evidence outlined above, the variant was classified as uncertain significance.

Labcorp Genetics (formerly Invitae), Labcorp
Classification: Uncertain significance for Developmental and epileptic encephalopathy, 1; Autosomal dominant nonsyndromic hearing loss 65. Last evaluated: 2025-04-11. Review status: criteria provided, single submitter. Criteria: Invitae Variant Classification Sherloc (09022015). Collection method: clinical testing. Allele origin: germline.
Comment: This sequence change replaces phenylalanine, which is neutral and non-polar, with serine, which is neutral and polar, at codon 418 of the TBC1D24 protein (p.Phe418Ser). This variant is present in population databases (rs776176742, gnomAD 0.007%). This variant has not been reported in the literature in individuals affected with TBC1D24-related conditions. ClinVar contains an entry for this variant (Variation ID: 207512). Invitae Evidence Modeling of protein sequence and biophysical properties (such as structural, functional, and spatial information, amino acid conservation, physicochemical variation, residue mobility, and thermodynamic stability) indicates that this missense variant is not expected to disrupt TBC1D24 protein function with a negative predictive value of 95%. In summary, the available evidence is currently insufficient to determine the role of this variant in disease. Therefore, it has been classified as a Variant of Uncertain Significance.

Mayo Clinic Laboratories, Mayo Clinic
Classification: Uncertain significance for Familial infantile myoclonic epilepsy; Developmental and epileptic encephalopathy, 16. Last evaluated: 2018-02-15. Review status: criteria provided, single submitter. Criteria: ACMG Guidelines, 2015. Collection method: clinical testing. Allele origin: paternal.

Ambry Genetics
Classification: Uncertain significance for Inborn genetic diseases. Last evaluated: 2017-07-18. Review status: criteria provided, single submitter. Criteria: Ambry Variant Classification Scheme 2023. Collection method: clinical testing. Allele origin: germline.
Comment: The p.F418S variant (also known as c.1253T>C), located in coding exon 5 of the TBC1D24 gene, results from a T to C substitution at nucleotide position 1253. The phenylalanine at codon 418 is replaced by serine, an amino acid with highly dissimilar properties. This amino acid position is not well conserved in available vertebrate species. In addition, this alteration is predicted to be tolerated by in silico analysis. Since supporting evidence is limited at this time, the clinical significance of this alteration remains unclear.

GeneDx
Classification: Uncertain significance. Last evaluated: 2014-05-21. Review status: criteria provided, single submitter. Criteria: GeneDx Variant Classification (06012015). Collection method: clinical testing. Allele origin: germline. Affected: yes.
Comment: p.Phe412Ser (TTT>TCT): c.1235 T>C in exon 5 of the TBC1D24 gene (NM_020705.2). A variant of unknown significance has been identified in the TBC1D24 gene. The F412S variant has not been published as a mutation, nor has it been reported as a benign polymorphism to our knowledge. It was not observed in approximately 6,100 individuals of European and African American ancestry in the NHLBI Exome Sequencing Project, indicating it is not a common benign variant in these populations. It is a non-conservative amino acid substitution, which is likely to impact secondary protein structure as these residues differ in polarity, charge, size and/or other properties. However, this substitution occurs at a position that is not conserved across species, and Serine is seen at this position in multiple species. In silico analysis predicts this variant likely does not alter the protein structure/function. Therefore, based on the currently available information, it is unclear whether this variant is a pathogenic mutation or a rare benign variant. The variant is found in EPILEPSY panel(s).

NM_001199107.2(TBC1D24):c.1253T>C (p.Phe418Ser)

Gene: TBC1D24 (TBC1 domain family member 24; plus strand). Cytogenetic location: 16p13.3.
Variant type: single nucleotide variant.
Coding change: c.1253T>C on transcript NM_001199107.2 (MANE Select); coding-DNA position 1253, T replaced by C.
Protein change: p.Phe418Ser; replaces phenylalanine 418 with serine.
Molecular consequence: missense variant.
Genome position (GRCh38, 1-based): chr16:2,499,881, T>C. VCF-style: chr16-2499881-T-C. GRCh37 (hg19) VCF-style: chr16-2549882-T-C.
Other names: p.F412S:TTT>TCT; c.1235T>C, p.Phe412Ser (NM_020705.3); short protein forms F412S, F418S.
Identifiers: ClinVar variation 207512 (VCV000207512.19), dbSNP rs776176742, ClinGen allele CA319059.